The following is an entry in ClinVar:

NM_000064.4(C3):c.4445A>G (p.Tyr1482Cys)

Gene: C3 (complement C3; minus strand). Cytogenetic location: 19p13.3.
Variant type: single nucleotide variant.
Coding change: c.4445A>G on transcript NM_000064.4 (MANE Select); coding-DNA position 4445, A replaced by G.
Protein change: p.Tyr1482Cys; replaces tyrosine 1482 with cysteine.
Molecular consequence: missense variant.
Genome position (GRCh38, 1-based): chr19:6,680,169, T>C on the plus strand (A>G on the coding strand, the complement: C3 is on the minus strand). VCF-style: chr19-6680169-T-C. GRCh37 (hg19) VCF-style: chr19-6680180-T-C.
Other names: short protein forms Y1482C.
Identifiers: ClinVar variation 2835043 (VCV002835043.3), dbSNP rs2512227380, ClinGen allele CA403613175.

ClinVar aggregate classification (germline): Uncertain significance (1 of 4 stars; one submission).

Allele frequency attached by ClinVar (database versions not stated): gnomAD exomes below 0.00001.
gnomAD v4.1: 1 of 1,608,022 alleles (0.000062%); highest among the groups gnomAD compares: Non-Finnish European, 0.000085%; no homozygotes.

Submission:

Labcorp Genetics (formerly Invitae), Labcorp
Classification: Uncertain significance. Last evaluated: 2023-04-13. Review status: criteria provided, single submitter. Criteria: Invitae Variant Classification Sherloc (09022015). Collection method: clinical testing. Allele origin: germline.
Comment: In summary, the available evidence is currently insufficient to determine the role of this variant in disease. Therefore, it has been classified as a Variant of Uncertain Significance. Advanced modeling of protein sequence and biophysical properties (such as structural, functional, and spatial information, amino acid conservation, physicochemical variation, residue mobility, and thermodynamic stability) performed at Invitae indicates that this missense variant is expected to disrupt C3 protein function. This variant has not been reported in the literature in individuals affected with C3-related conditions. This variant is not present in population databases (gnomAD no frequency). This sequence change replaces tyrosine, which is neutral and polar, with cysteine, which is neutral and slightly polar, at codon 1482 of the C3 protein (p.Tyr1482Cys).